The following is an entry in ClinVar:

ClinVar aggregate classification (germline): Uncertain significance (1 of 4 stars; one submission).

Conditions:
Cardiovascular phenotype. Identifiers: MedGen CN230736.

Allele frequency attached by ClinVar (database versions not stated): gnomAD exomes below 0.00001.
gnomAD v4.1: 1 of 1,613,812 alleles (0.000062%); highest among the groups gnomAD compares: South Asian, 0.0011%; no homozygotes.

Submission:

Ambry Genetics
Classification: Uncertain significance for Cardiovascular phenotype. Last evaluated: 2022-12-13. Review status: criteria provided, single submitter. Criteria: Ambry Variant Classification Scheme 2023. Collection method: clinical testing. Allele origin: germline.
Comment: The p.R339H variant (also known as c.1016G>A), located in coding exon 8 of the VCL gene, results from a G to A substitution at nucleotide position 1016. The arginine at codon 339 is replaced by histidine, an amino acid with highly similar properties. This amino acid position is conserved. In addition, the in silico prediction for this alteration is inconclusive. Since supporting evidence is limited at this time, the clinical significance of this alteration remains unclear.

NM_014000.3(VCL):c.1016G>A (p.Arg339His)

Gene: VCL (vinculin; plus strand). Cytogenetic location: 10q22.2.
Variant type: single nucleotide variant.
Coding change: c.1016G>A on transcript NM_014000.3 (MANE Select); coding-DNA position 1016, G replaced by A.
Protein change: p.Arg339His; replaces arginine 339 with histidine.
Molecular consequence: missense variant.
Genome position (GRCh38, 1-based): chr10:74,083,507, G>A. VCF-style: chr10-74083507-G-A. GRCh37 (hg19) VCF-style: chr10-75843265-G-A.
Other names: c.1016G>A, p.Arg339His (NM_003373.4); short protein forms R339H.
Identifiers: ClinVar variation 2451021 (VCV002451021.2), dbSNP rs1181109595, ClinGen allele CA377270752.